The following is an entry in ClinVar:

ClinVar aggregate classification (germline): Uncertain significance (1 of 4 stars; one submission).

Allele frequency attached by ClinVar (database versions not stated): TOPMed below 0.00001; gnomAD 0.00001.
gnomAD v4.1: 1 of 1,613,810 alleles (0.000062%); highest among the groups gnomAD compares: Non-Finnish European, 0.000085%; no homozygotes.

Submission:

GeneDx
Classification: Uncertain significance. Last evaluated: 2018-08-06. Review status: criteria provided, single submitter. Criteria: GeneDx Variant Classification (06012015). Collection method: clinical testing. Allele origin: germline. Affected: yes.
Comment: The I333N variant has not been published as a pathogenic variant, nor has it been reported as a benign variant to our knowledge. The I333N variant is not observed in large population cohorts (Lek et al., 2016; 1000 Genomes Consortium et al., 2015; Exome Variant Server). This substitution occurs at a position where amino acids with similar properties to Isoleucine are tolerated across species. However, this variant is a non-conservative amino acid substitution, which is likely to impact secondary protein structure as these residues differ in polarity, charge, size and/or other properties. Additionally, in silico analysis predicts this variant is probably damaging to the protein structure/function.

NM_000751.3(CHRND):c.998T>A (p.Ile333Asn)

Gene: CHRND (cholinergic receptor nicotinic delta subunit; plus strand). Cytogenetic location: 2q37.1.
Variant type: single nucleotide variant.
Coding change: c.998T>A on transcript NM_000751.3 (MANE Select); coding-DNA position 998, T replaced by A.
Protein change: p.Ile333Asn; replaces isoleucine 333 with asparagine.
Molecular consequence: missense variant.
Genome position (GRCh38, 1-based): chr2:232,531,607, T>A. VCF-style: chr2-232531607-T-A. GRCh37 (hg19) VCF-style: chr2-233396317-T-A.
Other names: c.953T>A, p.Ile318Asn (NM_001256657.2); c.416T>A, p.Ile139Asn (NM_001311195.2); c.695T>A, p.Ile232Asn (NM_001311196.2); short protein forms I333N, I232N, I318N, I139N.
Identifiers: ClinVar variation 423692 (VCV000423692.2), dbSNP rs1064796580, ClinGen allele CA16617497.
Genomic context (GRCh38, chr2:232,531,607, plus strand): 5'-TGCTCTTCGGCATGGTGCTGGTCACCATGGTTGTGGTGATCTGTGTCATCGTGCTCAACA[T>A]CCACTTCCGAACACCCAGCACCCATGTGCTGTCTGAGGGGGTCAAGAAGGTGAGTACTTG-3'
Protein context (NP_000742.1, residues 323-343): VVVICVIVLN[Ile333Asn]HFRTPSTHVL